The following is an entry in ClinVar:

NM_000136.3(FANCC):c.1320A>G (p.Ala440=)

Genes: AOPEP (aminopeptidase O (putative); plus strand), FANCC (FA complementation group C; minus strand). Cytogenetic location: 9q22.32.
Variant type: single nucleotide variant.
Coding change: c.1320A>G on transcript NM_000136.3 (MANE Select); coding-DNA position 1320, A replaced by G.
Protein change: p.Ala440=; no amino-acid change (alanine 440 retained).
Molecular consequence: synonymous variant.
Genome position (GRCh38, 1-based): chr9:95,111,472, T>C on the plus strand (A>G on the coding strand, the complement: FANCC is on the minus strand). VCF-style: chr9-95111472-T-C. GRCh37 (hg19) VCF-style: chr9-97873754-T-C.
Other names: c.1320A>G, p.Ala440= (NM_001243743.2, NM_001243744.2).
Identifiers: ClinVar variation 3572417 (VCV003572417.1).

ClinVar aggregate classification (germline): Uncertain significance (1 of 4 stars; one submission).

Submission:

Quest Diagnostics Nichols Institute San Juan Capistrano
Classification: Uncertain significance. Last evaluated: 2024-04-11. Review status: criteria provided, single submitter. Criteria: Quest Diagnostics criteria. Collection method: clinical testing. Allele origin: unknown.
Comment: The FANCC c.1320A>G (p.Ala440=) synonymous variant has not been reported in individuals with FANCC-related conditions in the published literature. It also has not been reported in large, multi-ethnic general populations (Genome Aggregation Database). Analysis of this variant using software algorithms for the prediction of the effect of nucleotide changes on splicing yielded predictions that this variant does not affect FANCC mRNA splicing. Based on the available information, we are unable to determine the clinical significance of this variant.